The following is an entry in ClinVar:

NM_001291303.3(FAT4):c.5450A>C (p.Asp1817Ala)

Gene: FAT4 (FAT atypical cadherin 4; plus strand). Cytogenetic location: 4q28.1.
Variant type: single nucleotide variant.
Coding change: c.5450A>C on transcript NM_001291303.3 (MANE Select); coding-DNA position 5450, A replaced by C.
Protein change: p.Asp1817Ala; replaces aspartic acid 1817 with alanine.
Molecular consequence: missense variant.
Genome position (GRCh38, 1-based): chr4:125,407,022, A>C. VCF-style: chr4-125407022-A-C. GRCh37 (hg19) VCF-style: chr4-126328177-A-C.
Other names: c.5450A>C, p.Asp1817Ala (NM_001291285.3, NM_024582.6); short protein forms D1817A.
Identifiers: ClinVar variation 1421321 (VCV001421321.5), dbSNP rs759964132, ClinGen allele CA3072723.

ClinVar aggregate classification (germline): Uncertain significance (1 of 4 stars; one submission).

gnomAD v4.1: 1 of 1,613,876 alleles (0.000062%); highest among the groups gnomAD compares: African/African-American, 0.0013%; no homozygotes.

Submission:

Labcorp Genetics (formerly Invitae), Labcorp
Classification: Uncertain significance. Last evaluated: 2021-09-01. Review status: criteria provided, single submitter. Criteria: Invitae Variant Classification Sherloc (09022015). Collection method: clinical testing. Allele origin: germline.
Comment: This sequence change replaces aspartic acid with alanine at codon 1817 of the FAT4 protein (p.Asp1817Ala). The aspartic acid residue is highly conserved and there is a moderate physicochemical difference between aspartic acid and alanine. This variant is present in population databases (rs759964132, ExAC 0.01%). This variant has not been reported in the literature in individuals affected with FAT4-related conditions. Advanced modeling of protein sequence and biophysical properties (such as structural, functional, and spatial information, amino acid conservation, physicochemical variation, residue mobility, and thermodynamic stability) performed at Invitae indicates that this missense variant is not expected to disrupt FAT4 protein function. In summary, the available evidence is currently insufficient to determine the role of this variant in disease. Therefore, it has been classified as a Variant of Uncertain Significance.